The following is an entry in ClinVar:

NM_001130987.2(DYSF):c.1532_1535dup (p.Ser513fs)

Gene: DYSF (dysferlin; plus strand). Cytogenetic location: 2p13.2.
Variant type: Microsatellite.
Coding change: c.1532_1535dup on transcript NM_001130987.2 (MANE Select); coding-DNA positions 1532 to 1535, 4 bases duplicated (ACCT; older notation c.1532_1535dupACCT).
Protein change: p.Ser513fs; shifts the reading frame from serine 513.
Molecular consequence: frameshift variant.
Genome position (GRCh38, 1-based): chr2:71,539,195-71,539,198, ACCT duplicated; duplicating any 4 consecutive bases within chr2:71,539,191-71,539,198 gives the same sequence; the c. name uses the placement nearest the transcript's 3' end. VCF-style (leftmost placement, unchanged base first): chr2-71539190-C-CACCT. GRCh37 (hg19) VCF-style: chr2-71766320-C-CACCT.
Other names: c.1439_1442dup, p.Ser482fs (NM_001130455.2, NM_001130983.2, NM_001130984.2 and 1 more transcripts); c.1436_1439dup, p.Ser481fs (NM_001130976.2, NM_001130977.2, NM_001130978.2 and 1 more transcripts); c.1529_1532dup, p.Ser512fs (NM_001130979.2, NM_001130980.2, NM_001130981.2); c.1532_1535dup, p.Ser513fs (NM_001130982.2, NM_001130985.2); short protein forms S481fs, S482fs, S512fs, S513fs.
Identifiers: ClinVar variation 5011602 (VCV005011602.1).

ClinVar aggregate classification (germline): Pathogenic (1 of 4 stars; one submission).

Conditions:
Autosomal recessive limb-girdle muscular dystrophy. Identifiers: Orphanet 102015, MedGen C2931907, MONDO:0015152.

Submission:

Myriad Genetics, Inc.
Classification: Pathogenic for Autosomal recessive limb-girdle muscular dystrophy. Last evaluated: 2023-09-08. Review status: criteria provided, single submitter. Criteria: Myriad Autosomal Dominant, Autosomal Recessive and X-Linked Classification Criteria (2023). Collection method: clinical testing. Allele origin: unknown.
Comment: NM_003494.3(DYSF):c.1436_1439dupACCT(S481Pfs*31) is expected to be pathogenic in the context of dysferlinopathy. This variant is predicted to lead to an abnormal or absent protein product due to the creation of a premature termination codon in DYSF, a gene where loss-of-function variants are known to be pathogenic. Please note: this variant was assessed in the context of healthy population screening.